The following is an entry in ClinVar:

NM_020987.5(ANK3):c.12245-5C>T

Gene: ANK3 (ankyrin 3; minus strand). Cytogenetic location: 10q21.2.
Variant type: single nucleotide variant.
Coding change: c.12245-5C>T on transcript NM_020987.5 (MANE Select); 5 bases into the intron before coding-DNA position 12245, C replaced by T.
Molecular consequence: intron variant.
Genome position (GRCh38, 1-based): chr10:60,068,014, G>A on the plus strand (C>T on the coding strand, the complement: ANK3 is on the minus strand). VCF-style: chr10-60068014-G-A. GRCh37 (hg19) VCF-style: chr10-61827772-G-A.
Other names: c.4388-5C>T (NM_001204403.2); c.4409-5C>T (NM_001204404.2); c.4406-5C>T (NM_001320874.2); c.1808-5C>T (NM_001149.4).
Identifiers: ClinVar variation 1546894 (VCV001546894.14), dbSNP rs200190212, ClinGen allele CA5510931.

ClinVar aggregate classification (germline): Conflicting classifications of pathogenicity. Review status: criteria provided, conflicting classifications (1 of 4 stars). 2 submissions from 2 submitters: Uncertain significance (1); Likely benign (1). Last evaluated 2026-01-12.

Allele frequency attached by ClinVar (database versions not stated): ExAC 0.00005; gnomAD 0.00006; gnomAD exomes 0.00008; TOPMed 0.00009; ESP Exome Variant Server 0.00015.
gnomAD v4.1: 121 of 1,597,228 alleles (0.0076%); highest among the groups gnomAD compares: Non-Finnish European, 0.0096%; no homozygotes.

Submissions (2):

Labcorp Genetics (formerly Invitae), Labcorp
Classification: Likely benign. Last evaluated: 2026-01-12. Review status: criteria provided, single submitter. Criteria: Invitae Variant Classification Sherloc (09022015). Collection method: clinical testing. Allele origin: germline.

CeGaT Center for Human Genetics Tuebingen
Classification: Uncertain significance. Last evaluated: 2025-11-01. Review status: criteria provided, single submitter. Criteria: CeGaT Center For Human Genetics Tuebingen Variant Classification Criteria Version 2. Collection method: clinical testing. Allele origin: germline. Affected: yes. Observed: 1 variant allele.
Comment: ANK3: PM2, BP4